The following is an entry in ClinVar:

NM_004958.4(MTOR):c.6909_6910inv (p.Trp2304Arg)

Gene: MTOR (mechanistic target of rapamycin kinase; minus strand). Cytogenetic location: 1p36.22.
Variant type: Inversion.
Coding change: c.6909_6910inv on transcript NM_004958.4 (MANE Select).
Protein change: p.Trp2304Arg; replaces tryptophan 2304 with arginine.
Molecular consequence: missense variant.
Genome position: GRCh38 VCF-style: chr1-11121269-AC-GT. GRCh37 (hg19) VCF-style: chr1-11181326-AC-GT.
Other names: c.6909_6910inv, p.Trp2304Arg (NM_001386500.1); c.5661_5662inv, p.Trp1888Arg (NM_001386501.1); short protein forms W2304R, W1888R.
Identifiers: ClinVar variation 1998807 (VCV001998807.4), ClinGen allele CA2580060499.
Genomic context (GRCh38, chr1:11,121,269, plus strand): 5'-CCAGGAGAGCGCAGGTCTGCAGGGCCCAGTGGCCTACCTCGGAGCTGGGGCTTTTCAGCC[AC>GT]AGCAGCTTGGCCAGGTCGTCCCCAGCTGTATTATTGACGGCATGCTCAAACACCTCCACC-3'
Protein context (NP_004949.1, residues 2294-2314): TAGDDLAKLL[Trp2304Arg]LKSPSSEVWF

ClinVar aggregate classification (germline): Uncertain significance (1 of 4 stars; one submission).

Submission:

Labcorp Genetics (formerly Invitae), Labcorp
Classification: Uncertain significance. Last evaluated: 2024-10-16. Review status: criteria provided, single submitter. Criteria: Invitae Variant Classification Sherloc (09022015). Collection method: clinical testing. Allele origin: germline.
Comment: This sequence change replaces tryptophan, which is neutral and slightly polar, with arginine, which is basic and polar, at codon 2304 of the MTOR protein (p.Trp2304Arg). Information on the frequency of this variant in the gnomAD database is not available, as this variant may be reported differently in the database. This variant has not been reported in the literature in individuals affected with MTOR-related conditions. ClinVar contains an entry for this variant (Variation ID: 1998807). Experimental studies and prediction algorithms are not available or were not evaluated, and the functional significance of this variant is currently unknown. In summary, the available evidence is currently insufficient to determine the role of this variant in disease. Therefore, it has been classified as a Variant of Uncertain Significance.